The following is an entry in ClinVar:

ClinVar aggregate classification (germline): Uncertain significance (1 of 4 stars; one submission).

Conditions:
Autosomal dominant childhood-onset proximal spinal muscular atrophy with contractures (SMALED2A). Also called: SPINAL MUSCULAR ATROPHY, LOWER EXTREMITY-PREDOMINANT, 2A, CHILDHOOD ONSET, AUTOSOMAL DOMINANT; Spinal muscular atrophy, lower extremity-predominant, 2A, autosomal dominant. Identifiers: Orphanet 363447, Orphanet 363454, MedGen C4747715, MONDO:0014121, OMIM 615290.

Submission:

Labcorp Genetics (formerly Invitae), Labcorp
Classification: Uncertain significance for Autosomal dominant childhood-onset proximal spinal muscular atrophy with contractures. Last evaluated: 2022-07-13. Review status: criteria provided, single submitter. Criteria: Invitae Variant Classification Sherloc (09022015). Collection method: clinical testing. Allele origin: germline.
Comment: In summary, the available evidence is currently insufficient to determine the role of this variant in disease. Therefore, it has been classified as a Variant of Uncertain Significance. This sequence change replaces methionine, which is neutral and non-polar, with leucine, which is neutral and non-polar, at codon 543 of the BICD2 protein (p.Met543Leu). This variant is not present in population databases (gnomAD no frequency). This variant has not been reported in the literature in individuals affected with BICD2-related conditions. Advanced modeling of protein sequence and biophysical properties (such as structural, functional, and spatial information, amino acid conservation, physicochemical variation, residue mobility, and thermodynamic stability) performed at Invitae indicates that this missense variant is not expected to disrupt BICD2 protein function.

NM_001003800.2(BICD2):c.1627A>T (p.Met543Leu)

Gene: BICD2 (BICD cargo adaptor 2; minus strand). Cytogenetic location: 9q22.31.
Variant type: single nucleotide variant.
Coding change: c.1627A>T on transcript NM_001003800.2 (MANE Select); coding-DNA position 1627, A replaced by T.
Protein change: p.Met543Leu; replaces methionine 543 with leucine.
Molecular consequence: missense variant.
Genome position (GRCh38, 1-based): chr9:92,719,018, T>A on the plus strand (A>T on the coding strand, the complement: BICD2 is on the minus strand). VCF-style: chr9-92719018-T-A. GRCh37 (hg19) VCF-style: chr9-95481300-T-A.
Other names: c.1627A>T, p.Met543Leu (NM_015250.4); short protein forms M543L.
Identifiers: ClinVar variation 2012514 (VCV002012514.4), dbSNP rs2490444914, ClinGen allele CA374036668.
Genomic context (GRCh38, chr9:92,719,018, plus strand): 5'-CGCCCTGGCCCTCGCGGTAGTAGTCCAGCATGACACGGTTGGGTGTCTCATTGTTGCACA[T>A]GCACACGTGGTGGTAGAGATTGGCCAGCTCCTCACTGAAGGTCACCAGCTCATCCTGGGC-3'
Protein context (NP_001003800.1, residues 533-553): ELANLYHHVC[Met543Leu]CNNETPNRVM